The following is an entry in ClinVar:

NM_001042424.3(NSD2):c.2893G>A (p.Ala965Thr)

Gene: NSD2 (nuclear receptor binding SET domain protein 2; plus strand). Cytogenetic location: 4p16.3.
Variant type: single nucleotide variant.
Coding change: c.2893G>A on transcript NM_001042424.3 (MANE Select); coding-DNA position 2893, G replaced by A.
Protein change: p.Ala965Thr; replaces alanine 965 with threonine.
Molecular consequence: missense variant.
Genome position (GRCh38, 1-based): chr4:1,957,944, G>A. VCF-style: chr4-1957944-G-A. GRCh37 (hg19) VCF-style: chr4-1959671-G-A.
Other names: c.2893G>A, p.Ala965Thr (NM_133330.3, NM_133331.3, NM_133335.4); c.2893G>A (NM_133330.2); short protein forms A965T.
Identifiers: ClinVar variation 2168758 (VCV002168758.5), dbSNP rs779205776, ClinGen allele CA2812579.
Genomic context (GRCh38, chr4:1,957,944, plus strand): 5'-GTTACCTGTATTTACTAAAATCTTTACTCCTATTTCATTGACTTTTTAGCACTGCAAGAA[G>A]CTGAAGCTCGTTTTCGTGAAATTAAGCTTCAGAGGGAAGCCCGAGAAACACAGGAGAGCG-3'
Protein context (NP_001035889.1, residues 955-975): GRVFKNALQE[Ala965Thr]EARFREIKLQ

ClinVar aggregate classification (germline): Uncertain significance. Review status: criteria provided, multiple submitters, no conflicts (2 of 4 stars). 2 submissions from 2 submitters: Uncertain significance (2). Last evaluated 2025-04-01.

Conditions:
Inborn genetic diseases. Identifiers: MedGen C0950123, MeSH D030342.

Allele frequency attached by ClinVar (database versions not stated): gnomAD 0.00003; gnomAD exomes 0.00003; TOPMed 0.00004; ExAC 0.00005.
gnomAD v4.1: 22 of 1,614,052 alleles (0.0014%); highest among the groups gnomAD compares: Admixed American, 0.037%; 1 homozygote.

Submissions (2):

Labcorp Genetics (formerly Invitae), Labcorp
Classification: Uncertain significance. Last evaluated: 2025-04-01. Review status: criteria provided, single submitter. Criteria: Invitae Variant Classification Sherloc (09022015). Collection method: clinical testing. Allele origin: germline.
Comment: This sequence change replaces alanine, which is neutral and non-polar, with threonine, which is neutral and polar, at codon 965 of the WHSC1 protein (p.Ala965Thr). This variant is present in population databases (rs779205776, gnomAD 0.04%), and has an allele count higher than expected for a pathogenic variant. This variant has not been reported in the literature in individuals affected with WHSC1-related conditions. ClinVar contains an entry for this variant (Variation ID: 2168758). Invitae Evidence Modeling of protein sequence and biophysical properties (such as structural, functional, and spatial information, amino acid conservation, physicochemical variation, residue mobility, and thermodynamic stability) indicates that this missense variant is not expected to disrupt WHSC1 protein function with a negative predictive value of 80%. In summary, the available evidence is currently insufficient to determine the role of this variant in disease. Therefore, it has been classified as a Variant of Uncertain Significance.

Ambry Genetics
Classification: Uncertain significance for Inborn genetic diseases. Last evaluated: 2021-04-01. Review status: criteria provided, single submitter. Criteria: Ambry Variant Classification Scheme 2023. Collection method: clinical testing. Allele origin: germline.